The following is an entry in ClinVar:

NM_001378120.1(MBD5):c.3231T>C (p.Asn1077=)

Gene: MBD5 (methyl-CpG binding domain protein 5; plus strand). Cytogenetic location: 2q23.1.
Variant type: single nucleotide variant.
Coding change: c.3231T>C on transcript NM_001378120.1 (MANE Select); coding-DNA position 3231, T replaced by C.
Protein change: p.Asn1077=; no amino-acid change (asparagine 1077 retained).
Molecular consequence: synonymous variant. On other transcripts: intron variant (1).
Genome position (GRCh38, 1-based): chr2:148,483,822, T>C. VCF-style: chr2-148483822-T-C. GRCh37 (hg19) VCF-style: chr2-149241391-T-C.
Other names: c.2845+386T>C (NM_018328.5).
Identifiers: ClinVar variation 2651415 (VCV002651415.24), dbSNP rs117172699, ClinGen allele CA1900261.

ClinVar aggregate classification (germline): Likely benign (1 of 4 stars; one submission).

Allele frequency attached by ClinVar (database versions not stated): ExAC 0.00030; gnomAD exomes 0.00030; gnomAD 0.00036; TOPMed 0.00047; 1000 Genomes Project 30x 0.00187; 1000 Genomes Project 0.00200.
gnomAD v4.1: 492 of 1,550,562 alleles (0.032%); highest among the groups gnomAD compares: East Asian, 1.1%; 6 homozygotes.

Submission:

CeGaT Center for Human Genetics Tuebingen
Classification: Likely benign. Last evaluated: 2025-05-01. Review status: criteria provided, single submitter. Criteria: CeGaT Center For Human Genetics Tuebingen Variant Classification Criteria Version 2. Collection method: clinical testing. Allele origin: germline. Affected: yes. Observed: 2 variant alleles.
Comment: MBD5: BP4, BS1